The following continues an entry in ClinVar:

NM_002691.4(POLD1):c.883G>A (p.Val295Met)

Gene: POLD1. ClinVar aggregate classification (germline): Conflicting classifications of pathogenicity. Uncertain significance (3); Benign (1); Likely benign (10).

Submissions 17 to 20 of 20:

Clinical Genetics, Academic Medical Center
Classification: Likely benign. Review status: no assertion criteria provided. Collection method: clinical testing. Allele origin: germline. Affected: yes. Study: VKGL Data-share Consensus. Not counted in ClinVar's aggregate classification.

Department of Pathology and Laboratory Medicine, Sinai Health System
Classification: Uncertain significance for Carcinoma of colon. Review status: no assertion criteria provided. Collection method: clinical testing. Allele origin: unknown. Affected: yes. Observed: 1 variant allele. Study: The Canadian Open Genetics Repository (COGR). Not counted in ClinVar's aggregate classification.
Comment: The POLD1 p.Val295Met variant was identified in 2 of 1058 proband chromosomes (frequency: 0.002) from individuals or families with early-onset nonpolyposis CRC (Bellido 2016). The variant was also identified in dbSNP (ID: rs199545019) as "With Uncertain significance allele", and in ClinVar (classified as likely benign by Invitae; as uncertain significance by GeneDx and two clinical laboratories). The variant was identified in control databases in 120 of 243858 chromosomes at a frequency of 0.0005 increasing the likelihood this could be a low frequency benign variant (Genome Aggregation Database Feb 27, 2017). The variant was observed in the following populations: Other in 9 of 5878 chromosomes (freq: 0.002), Latino in 35 of 30486 chromosomes (freq: 0.001), European in 52 of 109472 chromosomes (freq: 0.0005), Ashkenazi Jewish in 14 of 9360 chromosomes (freq: 0.002), and South Asian in 10 of 28292 chromosomes (freq: 0.0004); it was not observed in the African, East Asian, or Finnish populations. The p.Val295 residue is conserved in mammals but not in more distantly related organisms however computational analyses (PolyPhen-2, SIFT, AlignGVGD, BLOSUM, MutationTaster) do not suggest a high likelihood of impact to the protein; this information is not predictive enough to rule out pathogenicity. The variant occurs outside of the splicing consensus sequence and 2 of 4 in silico or computational prediction software programs (SpliceSiteFinder, MaxEntScan, NNSPLICE, GeneSplicer) predict a greater than 10% difference in splicing; this is not very predictive of pathogenicity. In summary, based on the above information the clinical significance of this variant cannot be determined with certainty at this time. This variant is classified as a variant of uncertain significance.

Genome Diagnostics Laboratory, University Medical Center Utrecht
Classification: Likely benign. Review status: no assertion criteria provided. Collection method: clinical testing. Allele origin: germline. Affected: yes. Study: VKGL Data-share Consensus. Not counted in ClinVar's aggregate classification.

Joint Genome Diagnostic Labs from Nijmegen and Maastricht, Radboudumc and MUMC+
Classification: Likely benign. Review status: no assertion criteria provided. Collection method: clinical testing. Allele origin: germline. Affected: yes. Study: VKGL Data-share Consensus. Not counted in ClinVar's aggregate classification.

Literature cited by the submitters: PubMed 26133394 (cited by 4 submitters); PubMed 34285382 (cited by Center for Genomic Medicine, Rigshospitalet, Copenhagen University Hospital); PubMed 29120461 (cited by Women's Health and Genetics/Laboratory Corporation of America, LabCorp); PubMed 33144657 (cited by Women's Health and Genetics/Laboratory Corporation of America, LabCorp).